The following is an entry in ClinVar:

NM_032806.6(POMGNT2):c.1488C>T (p.Gly496=)

Gene: POMGNT2 (protein O-linked mannose N-acetylglucosaminyltransferase 2 (beta 1,4-); minus strand). Cytogenetic location: 3p22.1.
Variant type: single nucleotide variant.
Coding change: c.1488C>T on transcript NM_032806.6 (MANE Select); coding-DNA position 1488, C replaced by T.
Protein change: p.Gly496=; no amino-acid change (glycine 496 retained).
Molecular consequence: synonymous variant.
Genome position (GRCh38, 1-based): chr3:43,079,944, G>A on the plus strand (C>T on the coding strand, the complement: POMGNT2 is on the minus strand). VCF-style: chr3-43079944-G-A. GRCh37 (hg19) VCF-style: chr3-43121436-G-A.
Other names: p.Gly496=.
Identifiers: ClinVar variation 262105 (VCV000262105.15), dbSNP rs35207939, ClinGen allele CA2339837.
Genomic context (GRCh38, chr3:43,079,944, plus strand): 5'-CTTCAGGTATTTAAGGTTCCATGGGATCTGCCAGGAGACAGTGAGGCGGGCCTCGGAGGC[G>A]CCATGCACTGACGCCTGGCACCGTGCCTCCCGCACCTTGCCTGGATATAGGCCGACTGTC-3'
Protein context (NP_116195.2, residues 486-506): REARCQASVH[Gly496=]ASEARLTVSW

ClinVar aggregate classification (germline): Benign/Likely benign. Review status: criteria provided, multiple submitters, no conflicts (2 of 4 stars). 8 submissions from 8 submitters: Benign (6); Likely benign (2). Last evaluated 2026-02-01.

Conditions:
Muscular dystrophy-dystroglycanopathy (congenital with brain and eye anomalies), type a, 8 (MDDGA8). Also called: WALKER-WARBURG SYNDROME OR MUSCLE-EYE-BRAIN DISEASE, GTDC2-RELATED. Identifiers: Orphanet 899, MedGen C3553813, MONDO:0013904, OMIM 614830.
Muscular dystrophy-dystroglycanopathy (limb-girdle), type C, 8. Also called: MUSCULAR DYSTROPHY, LIMB-GIRDLE, AUTOSOMAL RECESSIVE 24; MUSCULAR DYSTROPHY-DYSTROGLYCANOPATHY, LIMB-GIRDLE, POMGNT2-RELATED. Identifiers: MedGen C4748320, MONDO:0029135, OMIM 618135.

Allele frequency attached by ClinVar (database versions not stated): 1000 Genomes Project 0.00379; 1000 Genomes Project 30x 0.00390; TOPMed 0.00886; gnomAD 0.00974 and 0.01004; gnomAD exomes 0.01027 and 0.01505; ExAC 0.01094; ESP Exome Variant Server 0.01115.

Submissions (8):

Labcorp Genetics (formerly Invitae), Labcorp
Classification: Benign for Muscular dystrophy-dystroglycanopathy (congenital with brain and eye anomalies), type a, 8. Last evaluated: 2026-02-01. Review status: criteria provided, single submitter. Criteria: Invitae Variant Classification Sherloc (09022015). Collection method: clinical testing. Allele origin: germline.

Mayo Clinic Laboratories, Mayo Clinic
Classification: Benign. Last evaluated: 2024-12-03. Review status: criteria provided, single submitter. Criteria: ACMG Guidelines, 2015. Collection method: clinical testing. Allele origin: germline. Observed: 23 variant alleles.
Comment: BA1, BP4, BP7

Blueprint Genetics
Classification: Likely benign. Last evaluated: 2024-11-22. Review status: criteria provided, single submitter. Criteria: ACMG Guidelines, 2015. Collection method: clinical testing. Allele origin: germline.

Fulgent Genetics
Classification: Likely benign for Muscular dystrophy-dystroglycanopathy (congenital with brain and eye anomalies), type a, 8; Muscular dystrophy-dystroglycanopathy (limb-girdle), type C, 8. Last evaluated: 2021-07-08. Review status: criteria provided, single submitter. Criteria: ACMG Guidelines, 2015. Collection method: clinical testing. Allele origin: unknown.

Athena Diagnostics
Classification: Benign. Last evaluated: 2019-07-31. Review status: criteria provided, single submitter. Criteria: Athena Diagnostics Criteria. Collection method: clinical testing. Allele origin: germline.

GeneDx
Classification: Benign. Last evaluated: 2016-09-19. Review status: criteria provided, single submitter. Criteria: GeneDx Variant Classification (06012015). Collection method: clinical testing. Allele origin: germline. Affected: yes.
Comment: This variant is considered likely benign or benign based on one or more of the following criteria: it is a conservative change, it occurs at a poorly conserved position in the protein, it is predicted to be benign by multiple in silico algorithms, and/or has population frequency not consistent with disease.

Breakthrough Genomics
Classification: Benign. Review status: criteria provided, single submitter. Criteria: ACMG Guidelines, 2015. Collection method: not provided. Allele origin: germline. Inheritance: Autosomal recessive inheritance. Affected: yes.

PreventionGenetics, part of Exact Sciences
Classification: Benign. Review status: criteria provided, single submitter. Criteria: ACMG Guidelines, 2015. Collection method: clinical testing. Allele origin: germline.